The following is an entry in ClinVar:

ClinVar aggregate classification (germline): Uncertain significance (1 of 4 stars; one submission).

Conditions:
Hereditary cancer-predisposing syndrome. Also called: Tumor predisposition; Neoplastic Syndromes, Hereditary; Hereditary neoplastic syndrome; Hereditary Cancer Syndrome. Identifiers: Orphanet 140162, MedGen C0027672, MeSH D009386, MONDO:0015356.

gnomAD v4.1: 1 of 1,614,260 alleles (0.000062%); highest among the groups gnomAD compares: Middle Eastern, 0.016%; no homozygotes.

Submission:

Ambry Genetics
Classification: Uncertain significance for Hereditary cancer-predisposing syndrome. Last evaluated: 2025-08-27. Review status: criteria provided, single submitter. Criteria: Ambry Variant Classification Scheme 2023. Collection method: clinical testing. Allele origin: germline.
Comment: The p.Q478P variant (also known as c.1433A>C), located in coding exon 14 of the MUTYH gene, results from an A to C substitution at nucleotide position 1433. The glutamine at codon 478 is replaced by proline, an amino acid with similar properties. This amino acid position is conserved. In addition, the in silico prediction for this alteration is inconclusive. Based on the available evidence, the clinical significance of this variant remains unclear.

NM_001048174.2(MUTYH):c.1349A>C (p.Gln450Pro)

Gene: MUTYH (mutY DNA glycosylase; minus strand). Cytogenetic location: 1p34.1.
Variant type: single nucleotide variant.
Coding change: c.1349A>C on transcript NM_001048174.2 (MANE Select); coding-DNA position 1349, A replaced by C.
Protein change: p.Gln450Pro; replaces glutamine 450 with proline.
Molecular consequence: missense variant. On other transcripts: non-coding transcript variant (7).
Genome position (GRCh38, 1-based): chr1:45,331,225, T>G on the plus strand (A>C on the coding strand, the complement: MUTYH is on the minus strand). VCF-style: chr1-45331225-T-G. GRCh37 (hg19) VCF-style: chr1-45796897-T-G.
Other names: c.1349A>C, p.Gln450Pro (NM_001407088.1, NM_001407089.1, NM_001407081.1 and 6 more transcripts); c.1073A>C, p.Gln358Pro (NM_001407091.1, NM_001293192.2, NM_001293196.2); c.1424A>C, p.Gln475Pro (NM_012222.3); c.1391A>C, p.Gln464Pro (NM_001407083.1, NM_001407085.1); c.1352A>C, p.Gln451Pro (NM_001407086.1, NM_001407078.1, NM_001048172.2 and 1 more transcripts); c.1370A>C, p.Gln457Pro (NM_001407087.1); c.1382A>C, p.Gln461Pro (NM_001407077.1, NM_001293191.2, NM_001407069.1); c.1310A>C, p.Gln437Pro (NM_001407079.1); and 5 more; short protein forms Q478P, Q335P, Q436P, Q437P, Q450P, Q464P, Q465P, Q475P.
Identifiers: ClinVar variation 4113239 (VCV004113239.1).